The following is an entry in ClinVar:

NM_000384.3(APOB):c.10561T>G (p.Leu3521Val)

Gene: APOB (apolipoprotein B; minus strand). Cytogenetic location: 2p24.1.
Variant type: single nucleotide variant.
Coding change: c.10561T>G on transcript NM_000384.3 (MANE Select); coding-DNA position 10561, T replaced by G.
Protein change: p.Leu3521Val; replaces leucine 3521 with valine.
Molecular consequence: missense variant.
Genome position (GRCh38, 1-based): chr2:21,006,307, A>C on the plus strand (T>G on the coding strand, the complement: APOB is on the minus strand). VCF-style: chr2-21006307-A-C. GRCh37 (hg19) VCF-style: chr2-21229179-A-C.
Other names: short protein forms L3521V.
Identifiers: ClinVar variation 4983650 (VCV004983650.1).

ClinVar aggregate classification (germline): Uncertain significance (1 of 4 stars; one submission).

Conditions:
APOB-related disorder. Also called: APOB-related disorders; APOB-related condition.

gnomAD v4.1: 1 of 1,614,090 alleles (0.000062%); highest among the groups gnomAD compares: Admixed American, 0.0017%; no homozygotes.

Submission:

PreventionGenetics, part of Exact Sciences
Classification: Uncertain significance for APOB-related condition. Last evaluated: 2025-08-13. Review status: criteria provided, single submitter. Criteria: ACMG Guidelines, 2015. Collection method: clinical testing. Allele origin: germline.
Comment: The APOB c.10561T>G variant is predicted to result in the amino acid substitution p.Leu3521Val. To our knowledge, this variant has not been reported in the literature. This variant is reported in 0.0029% of alleles in individuals of Latino descent in gnomAD. At this time, the clinical significance of this variant is uncertain due to the absence of conclusive functional and genetic evidence.